The following is an entry in ClinVar:

ClinVar aggregate classification (germline): Uncertain significance (1 of 4 stars; one submission).

Conditions:
Hereditary cancer-predisposing syndrome. Also called: Hereditary Cancer Syndrome; Hereditary neoplastic syndrome; Neoplastic Syndromes, Hereditary; Tumor predisposition. Identifiers: Orphanet 140162, MedGen C0027672, MeSH D009386, MONDO:0015356.

Submission:

Ambry Genetics
Classification: Uncertain significance for Hereditary cancer-predisposing syndrome. Last evaluated: 2025-08-14. Review status: criteria provided, single submitter. Criteria: Ambry Variant Classification Scheme 2023. Collection method: clinical testing. Allele origin: germline.
Comment: The p.S1495C variant (also known as c.4484C>G), located in coding exon 29 of the ALK gene, results from a C to G substitution at nucleotide position 4484. The serine at codon 1495 is replaced by cysteine, an amino acid with dissimilar properties. This amino acid position is conserved. In addition, the in silico prediction for this alteration is inconclusive. Based on the available evidence, the clinical significance of this variant remains unclear.

NM_004304.5(ALK):c.4484C>G (p.Ser1495Cys)

Gene: ALK (ALK receptor tyrosine kinase; minus strand). Cytogenetic location: 2p23.2.
Variant type: single nucleotide variant.
Coding change: c.4484C>G on transcript NM_004304.5 (MANE Select); coding-DNA position 4484, C replaced by G.
Protein change: p.Ser1495Cys; replaces serine 1495 with cysteine.
Molecular consequence: missense variant.
Genome position (GRCh38, 1-based): chr2:29,193,603, G>C on the plus strand (C>G on the coding strand, the complement: ALK is on the minus strand). VCF-style: chr2-29193603-G-C. GRCh37 (hg19) VCF-style: chr2-29416469-G-C.
Other names: c.1280C>G, p.Ser427Cys (NM_001353765.2); short protein forms S1495C, S427C.
Identifiers: ClinVar variation 4271202 (VCV004271202.1).